The following is an entry in ClinVar:

NM_000038.6(APC):c.1580G>A (p.Arg527Lys)

Gene: APC (APC regulator of Wnt signaling pathway; plus strand). Cytogenetic location: 5q22.2.
Variant type: single nucleotide variant.
Coding change: c.1580G>A on transcript NM_000038.6 (MANE Select); coding-DNA position 1580, G replaced by A.
Protein change: p.Arg527Lys; replaces arginine 527 with lysine.
Molecular consequence: missense variant.
Genome position (GRCh38, 1-based): chr5:112,827,960, G>A. VCF-style: chr5-112827960-G-A. GRCh37 (hg19) VCF-style: chr5-112163657-G-A.
Other names: c.1580G>A, p.Arg527Lys (NM_001127510.3, NM_001354895.2, NM_001407450.1); c.1526G>A, p.Arg509Lys (NM_001127511.3); c.1634G>A, p.Arg545Lys (NM_001354896.2, NM_001407447.1, NM_001407448.1 and 1 more transcripts); c.1610G>A, p.Arg537Lys (NM_001354897.2); c.1505G>A, p.Arg502Lys (NM_001354898.2); c.1496G>A, p.Arg499Lys (NM_001354899.2); c.1457G>A, p.Arg486Lys (NM_001354900.2); c.1403G>A, p.Arg468Lys (NM_001354901.2, NM_001407453.1); and 11 more; short protein forms R143K, R398K, R436K, R444K, R468K, R244K, R401K, R537K.
Identifiers: ClinVar variation 2447191 (VCV002447191.4), dbSNP rs1554081889, ClinGen allele CA16024759.

ClinVar aggregate classification (germline): Uncertain significance. Review status: criteria provided, multiple submitters, no conflicts (2 of 4 stars). 2 submissions from 2 submitters: Uncertain significance (2). Last evaluated 2024-12-10.

Conditions:
Hereditary cancer-predisposing syndrome. Also called: Neoplastic Syndromes, Hereditary; Hereditary Cancer Syndrome; Tumor predisposition; Hereditary neoplastic syndrome. Identifiers: Orphanet 140162, MedGen C0027672, MeSH D009386, MONDO:0015356.
Familial adenomatous polyposis 1 (FAP1). Also called: FAMILIAL ADENOMATOUS POLYPOSIS 1, ATTENUATED; POLYPOSIS, ADENOMATOUS INTESTINAL. Identifiers: MedGen C2713442, MONDO:0021056, OMIM 175100. Disease mechanism: loss of function.

Submissions (2):

Labcorp Genetics (formerly Invitae), Labcorp
Classification: Uncertain significance for Familial adenomatous polyposis 1. Last evaluated: 2024-12-10. Review status: criteria provided, single submitter. Criteria: Invitae Variant Classification Sherloc (09022015). Collection method: clinical testing. Allele origin: germline.
Comment: This sequence change replaces arginine, which is basic and polar, with lysine, which is basic and polar, at codon 527 of the APC protein (p.Arg527Lys). This variant is not present in population databases (gnomAD no frequency). This variant has not been reported in the literature in individuals affected with APC-related conditions. ClinVar contains an entry for this variant (Variation ID: 2447191). Invitae Evidence Modeling of protein sequence and biophysical properties (such as structural, functional, and spatial information, amino acid conservation, physicochemical variation, residue mobility, and thermodynamic stability) indicates that this missense variant is not expected to disrupt APC protein function with a negative predictive value of 95%. In summary, the available evidence is currently insufficient to determine the role of this variant in disease. Therefore, it has been classified as a Variant of Uncertain Significance.

Ambry Genetics
Classification: Uncertain significance for Hereditary cancer-predisposing syndrome. Last evaluated: 2023-01-05. Review status: criteria provided, single submitter. Criteria: Ambry Variant Classification Scheme 2023. Collection method: clinical testing. Allele origin: germline.
Comment: The p.R527K variant (also known as c.1580G>A), located in coding exon 12 of the APC gene, results from a G to A substitution at nucleotide position 1580. The arginine at codon 527 is replaced by lysine, an amino acid with highly similar properties. This amino acid position is highly conserved in available vertebrate species. In addition, in silico predictors for this gene do not accurately predict pathogenicity. Since supporting evidence is limited at this time, the clinical significance of this alteration remains unclear.